The following is an entry in ClinVar:

ClinVar aggregate classification (germline): Uncertain significance (1 of 4 stars; one submission).

Conditions:
Cardiovascular phenotype. Identifiers: MedGen CN230736.

Submission:

Ambry Genetics
Classification: Uncertain significance for Cardiovascular phenotype. Last evaluated: 2025-03-18. Review status: criteria provided, single submitter. Criteria: Ambry Variant Classification Scheme 2023. Collection method: clinical testing. Allele origin: germline.
Comment: The p.V1736L variant (also known as c.5206G>C), located in coding exon 37 of the LAMA4 gene, results from a G to C substitution at nucleotide position 5206. The valine at codon 1736 is replaced by leucine, an amino acid with highly similar properties. This amino acid position is conserved. In addition, the in silico prediction for this alteration is inconclusive. Based on the available evidence, the clinical significance of this variant remains unclear.

NM_001105206.3(LAMA4):c.5227G>C (p.Val1743Leu)

Gene: LAMA4 (laminin subunit alpha 4; minus strand). Cytogenetic location: 6q21.
Variant type: single nucleotide variant.
Coding change: c.5227G>C on transcript NM_001105206.3 (MANE Select); coding-DNA position 5227, G replaced by C.
Protein change: p.Val1743Leu; replaces valine 1743 with leucine.
Molecular consequence: missense variant.
Genome position (GRCh38, 1-based): chr6:112,114,175, C>G on the plus strand (G>C on the coding strand, the complement: LAMA4 is on the minus strand). VCF-style: chr6-112114175-C-G. GRCh37 (hg19) VCF-style: chr6-112435378-C-G.
Other names: c.5206G>C, p.Val1736Leu (NM_001105207.3, NM_002290.5); short protein forms V1736L, V1743L.
Identifiers: ClinVar variation 4045930 (VCV004045930.1).